The following is an entry in ClinVar:

NM_006269.2(RP1):c.4751A>G (p.Lys1584Arg)

Gene: RP1 (RP1 axonemal microtubule associated; plus strand). Cytogenetic location: 8q12.1.
Variant type: single nucleotide variant.
Coding change: c.4751A>G on transcript NM_006269.2 (MANE Select); coding-DNA position 4751, A replaced by G.
Protein change: p.Lys1584Arg; replaces lysine 1584 with arginine.
Molecular consequence: missense variant. On other transcripts: intron variant (1).
Genome position (GRCh38, 1-based): chr8:54,628,633, A>G. VCF-style: chr8-54628633-A-G. GRCh37 (hg19) VCF-style: chr8-55541193-A-G.
Other names: c.787+6345A>G (NM_001375654.1); short protein forms K1584R.
Identifiers: ClinVar variation 2091524 (VCV002091524.4), dbSNP rs2536585958, ClinGen allele CA370983106.
Genomic context (GRCh38, chr8:54,628,633, plus strand): 5'-TGAAAACTATGGAAACTGGAAGTTATTCAGAGTCCTCTCCTGATTTAAAAAAATGCATCA[A>G]AAGTCCAGTGACTTCTGATTGGTCAGACTATCGGCCTGACAGTGACAGTGAGCAGCCATA-3'
Protein context (NP_006260.1, residues 1574-1594): ESSPDLKKCI[Lys1584Arg]SPVTSDWSDY

ClinVar aggregate classification (germline): Uncertain significance (1 of 4 stars; one submission).

Submission:

Labcorp Genetics (formerly Invitae), Labcorp
Classification: Uncertain significance. Last evaluated: 2022-09-27. Review status: criteria provided, single submitter. Criteria: Invitae Variant Classification Sherloc (09022015). Collection method: clinical testing. Allele origin: germline.
Comment: In summary, the available evidence is currently insufficient to determine the role of this variant in disease. Therefore, it has been classified as a Variant of Uncertain Significance. Algorithms developed to predict the effect of missense changes on protein structure and function output the following: SIFT: "Tolerated"; PolyPhen-2: "Benign"; Align-GVGD: "Class C0". The arginine amino acid residue is found in multiple mammalian species, which suggests that this missense change does not adversely affect protein function. This variant has not been reported in the literature in individuals affected with RP1-related conditions. This variant is not present in population databases (gnomAD no frequency). This sequence change replaces lysine, which is basic and polar, with arginine, which is basic and polar, at codon 1584 of the RP1 protein (p.Lys1584Arg).